The following is an entry in ClinVar:

NM_000051.4(ATM):c.3694T>G (p.Ser1232Ala)

Gene: ATM (ATM serine/threonine kinase; plus strand). Cytogenetic location: 11q22.3.
Variant type: single nucleotide variant.
Coding change: c.3694T>G on transcript NM_000051.4 (MANE Select); coding-DNA position 3694, T replaced by G.
Protein change: p.Ser1232Ala; replaces serine 1232 with alanine.
Molecular consequence: missense variant.
Genome position (GRCh38, 1-based): chr11:108,282,827, T>G. VCF-style: chr11-108282827-T-G. GRCh37 (hg19) VCF-style: chr11-108153554-T-G.
Other names: c.3694T>G, p.Ser1232Ala (NM_001351834.2); short protein forms S1232A.
Identifiers: ClinVar variation 824081 (VCV000824081.4), dbSNP rs183532834, ClinGen allele CA382523521.

ClinVar aggregate classification (germline): Uncertain significance (1 of 4 stars; one submission).

Conditions:
Hereditary cancer-predisposing syndrome. Also called: Neoplastic Syndromes, Hereditary; Tumor predisposition; Hereditary neoplastic syndrome; Hereditary Cancer Syndrome. Identifiers: Orphanet 140162, MedGen C0027672, MeSH D009386, MONDO:0015356.

Submission:

Ambry Genetics
Classification: Uncertain significance for Hereditary cancer-predisposing syndrome. Last evaluated: 2019-03-20. Review status: criteria provided, single submitter. Criteria: Ambry Variant Classification Scheme 2023. Collection method: clinical testing. Allele origin: germline.
Comment: The p.S1232A variant (also known as c.3694T>G), located in coding exon 24 of the ATM gene, results from a T to G substitution at nucleotide position 3694. The serine at codon 1232 is replaced by alanine, an amino acid with similar properties. This amino acid position is well conserved in available vertebrate species. In addition, this alteration is predicted to be tolerated by in silico analysis. Since supporting evidence is limited at this time, the clinical significance of this alteration remains unclear.